The following is an entry in ClinVar:

NM_203447.4(DOCK8):c.3219A>C (p.Arg1073Ser)

Gene: DOCK8 (dedicator of cytokinesis 8; plus strand). Cytogenetic location: 9p24.3.
Variant type: single nucleotide variant.
Coding change: c.3219A>C on transcript NM_203447.4 (MANE Select); coding-DNA position 3219, A replaced by C.
Protein change: p.Arg1073Ser; replaces arginine 1073 with serine.
Molecular consequence: missense variant.
Genome position (GRCh38, 1-based): chr9:399,244, A>C. VCF-style: chr9-399244-A-C. GRCh37 (hg19) VCF-style: chr9-399244-A-C.
Other names: c.2919A>C, p.Arg973Ser (NM_001190458.2); c.3015A>C, p.Arg1005Ser (NM_001193536.2); short protein forms R1005S, R1073S, R973S.
Identifiers: ClinVar variation 1022008 (VCV001022008.9), dbSNP rs2054620354, ClinGen allele CA372755085.
Genomic context (GRCh38, chr9:399,244, plus strand): 5'-TTTCTTCTTGTATGACCTTCTCTCCCTCATGGATCGGGGCTTTGTGTTTAACCTCATCAG[A>C]CATTATTGCAGCCAGGTGAGTGTCCCCCCCACCCCCACCCCCGAGCGAGCCACTTGGTTC-3'
Protein context (NP_982272.2, residues 1063-1083): MDRGFVFNLI[Arg1073Ser]HYCSQLSAKL

ClinVar aggregate classification (germline): Uncertain significance (1 of 4 stars; one submission).

Conditions:
Combined immunodeficiency due to DOCK8 deficiency (HIES2). Also called: HYPER-IgE SYNDROME 2, AUTOSOMAL RECESSIVE, WITH RECURRENT INFECTIONS; HYPER-IgE RECURRENT INFECTION SYNDROME 2, AUTOSOMAL RECESSIVE; HIES autosomal recessive; DOCK8 Deficiency; Hyper-IgE recurrent infection syndrome, autosomal recessive. Identifiers: Orphanet 217390, MedGen C4722305, MONDO:0009478, OMIM 243700.

Submission:

Labcorp Genetics (formerly Invitae), Labcorp
Classification: Uncertain significance for Combined immunodeficiency due to DOCK8 deficiency. Last evaluated: 2022-08-16. Review status: criteria provided, single submitter. Criteria: Invitae Variant Classification Sherloc (09022015). Collection method: clinical testing. Allele origin: germline.
Comment: In summary, the available evidence is currently insufficient to determine the role of this variant in disease. Therefore, it has been classified as a Variant of Uncertain Significance. Algorithms developed to predict the effect of missense changes on protein structure and function (SIFT, PolyPhen-2, Align-GVGD) all suggest that this variant is likely to be tolerated. ClinVar contains an entry for this variant (Variation ID: 1022008). This variant has not been reported in the literature in individuals affected with DOCK8-related conditions. This variant is not present in population databases (gnomAD no frequency). This sequence change replaces arginine, which is basic and polar, with serine, which is neutral and polar, at codon 1073 of the DOCK8 protein (p.Arg1073Ser).